The following is an entry in ClinVar:

NM_032043.3(BRIP1):c.133G>T (p.Glu45Ter)

Gene: BRIP1 (BRCA1 interacting DNA helicase 1; minus strand). Cytogenetic location: 17q23.2.
Variant type: single nucleotide variant.
Coding change: c.133G>T on transcript NM_032043.3 (MANE Select); coding-DNA position 133, G replaced by T.
Protein change: p.Glu45Ter; replaces glutamic acid 45 with a stop codon.
Molecular consequence: nonsense.
Genome position (GRCh38, 1-based): chr17:61,859,868, C>A on the plus strand (G>T on the coding strand, the complement: BRIP1 is on the minus strand). VCF-style: chr17-61859868-C-A. GRCh37 (hg19) VCF-style: chr17-59937229-C-A.
Other names: short protein forms E45*.
Identifiers: ClinVar variation 140808 (VCV000140808.35), dbSNP rs587781292, ClinGen allele CA163617.

ClinVar aggregate classification (germline): Pathogenic/Likely pathogenic. Review status: criteria provided, multiple submitters, no conflicts (2 of 4 stars). 12 submissions from 12 submitters: Pathogenic (9); Likely pathogenic (1). 2 of the submissions do not count toward it. Last evaluated 2025-12-09.

Conditions:
Ovarian cancer. Also called: OVARIAN CANCER, SOMATIC. Identifiers: Orphanet 213500, MedGen C1140680, MONDO:0008170, OMIM 167000.
Fanconi anemia complementation group J. Also called: BRIP1-Related Fanconi Anemia. Identifiers: Orphanet 84, MedGen C1836860, MONDO:0012187, OMIM 609054.
Hereditary cancer-predisposing syndrome. Also called: Neoplastic Syndromes, Hereditary; Tumor predisposition; Hereditary neoplastic syndrome; Hereditary Cancer Syndrome. Identifiers: Orphanet 140162, MedGen C0027672, MeSH D009386, MONDO:0015356.
Breast and/or ovarian cancer. Identifiers: MedGen CN221562.
Familial cancer of breast. Also called: Hereditary breast cancer; hereditary breast carcinoma; BREAST CANCER, FAMILIAL. Identifiers: Orphanet 227535, MedGen C0346153, MONDO:0016419, OMIM 114480. Disease mechanism: loss of function.
Hereditary breast ovarian cancer syndrome. Also called: Breast and ovarian cancer; BRCA1- and BRCA2-Associated Hereditary Breast and Ovarian Cancer; Hereditary breast and/or ovarian cancer syndrome; Hereditary breast and ovarian cancer syndrome; Hereditary breast and ovarian cancer; Hereditary breast and ovarian cancer syndrome (HBOC). Identifiers: Orphanet 145, MedGen C0677776, MeSH D061325, MONDO:0003582. Disease mechanism: loss of function.

Allele frequency attached by ClinVar (database versions not stated): gnomAD exomes below 0.00001; TOPMed 0.00002.

Submissions (12):

Labcorp Genetics (formerly Invitae), Labcorp
Classification: Pathogenic for Familial cancer of breast; Fanconi anemia complementation group J. Last evaluated: 2025-12-09. Review status: criteria provided, single submitter. Criteria: Invitae Variant Classification Sherloc (09022015). Collection method: clinical testing. Allele origin: germline.
Comment: This sequence change creates a premature translational stop signal (p.Glu45*) in the BRIP1 gene. It is expected to result in an absent or disrupted protein product. Loss-of-function variants in BRIP1 are known to be pathogenic (PMID: 16116423, 17033622, 21964575). The frequency data for this variant in the population databases is considered unreliable, as metrics indicate poor data quality at this position in the gnomAD database. This premature translational stop signal has been observed in individual(s) with hereditary cancer (PMID: 24763289). ClinVar contains an entry for this variant (Variation ID: 140808). RNA analysis performed to evaluate the impact of this premature translational stop signal on mRNA splicing indicates it does not significantly alter splicing (internal data). For these reasons, this variant has been classified as Pathogenic.

Ambry Genetics
Classification: Pathogenic for Hereditary cancer-predisposing syndrome. Last evaluated: 2025-03-14. Review status: criteria provided, single submitter. Criteria: Ambry Variant Classification Scheme 2023. Collection method: clinical testing. Allele origin: germline.
Comment: The p.E45* pathogenic mutation (also known as c.133G>T), located in coding exon 2 of the BRIP1 gene, results from a G to T substitution at nucleotide position 133. This changes the amino acid from a glutamic acid to a stop codon within coding exon 2. In one study, this alteration was observed in 1/3236 cases with invasive epithelial ovarian cancer and 0/3431 controls (Ramus SJ et al. J. Natl. Cancer Inst. 2015 Nov;107). This variant is considered to be rare based on population cohorts in the Genome Aggregation Database (gnomAD). In addition to the clinical data presented in the literature, this alteration is expected to result in loss of function by premature protein truncation or nonsense-mediated mRNA decay. As such, this alteration is interpreted as a disease-causing mutation.

Women's Health and Genetics/Laboratory Corporation of America, LabCorp
Classification: Pathogenic for Hereditary breast ovarian cancer syndrome. Last evaluated: 2024-11-19. Review status: criteria provided, single submitter. Criteria: LabCorp Variant Classification Summary - May 2015. Collection method: clinical testing. Allele origin: germline.
Comment: Variant summary: BRIP1 c.133G>T (p.Glu45X) results in a premature termination codon, predicted to cause a truncation of the encoded protein or absence of the protein due to nonsense mediated decay, which are commonly known mechanisms for disease. The variant allele was found at a frequency of 4e-06 in 251404 control chromosomes. c.133G>T has been reported in the literature in individuals affected with BRIP1 related Breast and/or Ovarian Cancer (example, Ramus_2015). These data indicate that the variant may be associated with disease. To our knowledge, no experimental evidence demonstrating an impact on protein function has been reported. The following publication have been ascertained in the context of this evaluation (PMID: 26315354). ClinVar contains an entry for this variant (Variation ID: 140808). Based on the evidence outlined above, the variant was classified as pathogenic.

Color Diagnostics, LLC DBA Color Health
Classification: Pathogenic for Hereditary cancer-predisposing syndrome. Last evaluated: 2024-04-09. Review status: criteria provided, single submitter. Criteria: ACMG Guidelines, 2015. Collection method: clinical testing. Allele origin: germline.
Comment: This variant changes 1 nucleotide in exon 3 of the BRIP1 gene, creating a premature translation stop signal. This variant is expected to result in an absent or non-functional protein product. This variant has been reported in an individual affected with ovarian cancer (PMID: 26315354) and an individual suspected to be affected with hereditary breast and ovarian cancer (PMID: 24763289). This variant also has been detected in a breast cancer case-control meta-analysis in 2/53461 unaffected individuals and absent in 60466 cases (PMID: 33471991; Leiden Open Variation Database DB-ID BRIP1_000746). This variant has also been identified in 2/282808 chromosomes in the general population by the Genome Aggregation Database (gnomAD). Loss of BRIP1 function is a known mechanism of disease. Based on the available evidence, this variant is classified as Pathogenic.

Baylor Genetics
Classification: Pathogenic for Familial cancer of breast. Last evaluated: 2023-12-24. Review status: criteria provided, single submitter. Criteria: ACMG Guidelines, 2015. Collection method: clinical testing. Allele origin: unknown.

Myriad Genetics, Inc.
Classification: Pathogenic for Familial cancer of breast. Last evaluated: 2023-03-01. Review status: criteria provided, single submitter. Criteria: Myriad Autosomal Dominant, Autosomal Recessive and X-Linked Classification Criteria (2023). Collection method: clinical testing. Allele origin: unknown.
Comment: This variant is considered pathogenic. This variant creates a termination codon and is predicted to result in premature protein truncation.

GeneDx
Classification: Pathogenic. Last evaluated: 2021-10-18. Review status: criteria provided, single submitter. Criteria: GeneDx Variant Classification Process June 2021. Collection method: clinical testing. Allele origin: germline. Affected: yes.
Comment: Nonsense variant predicted to result in protein truncation or nonsense mediated decay in a gene for which loss-of-function is a known mechanism of disease; Not observed at a significant frequency in large population cohorts (Lek 2016); Observed in individuals with a personal or family history consistent with pathogenic variants in this gene (Laduca 2014, Ramus 2015); This variant is associated with the following publications: (PMID: 24763289, 26315354, 26921362, 29625052, 32885271)

CHEO Genetics Diagnostic Laboratory, Children's Hospital of Eastern Ontario
Classification: Likely pathogenic for Breast and/or ovarian cancer. Last evaluated: 2021-08-20. Review status: criteria provided, single submitter. Criteria: ACMG Guidelines, 2015. Collection method: clinical testing. Allele origin: germline.

Fulgent Genetics
Classification: Pathogenic for Familial cancer of breast; Fanconi anemia complementation group J. Last evaluated: 2018-10-31. Review status: criteria provided, single submitter. Criteria: ACMG Guidelines, 2015. Collection method: clinical testing. Allele origin: unknown.

Juno Genomics, Hangzhou Juno Genomics, Inc
Classification: Pathogenic for Familial cancer of breast; Fanconi anemia complementation group J. Review status: criteria provided, single submitter. Criteria: ACMG Guidelines, 2015. Collection method: clinical testing. Allele origin: germline.
Comment: Absent from controls (or at extremely low frequency if recessive) in Genome Aggregation Database.;Null variant in a gene where loss of function (LOF) is a known mechanism of disease.;The prevalence of the variant in affected individuals is significantly increased compared to the prevalence in controls.

Counsyl
Classification: Pathogenic for Fanconi anemia complementation group J; Ovarian cancer. Last evaluated: 2017-06-21. Review status: no assertion criteria provided. Collection method: clinical testing. Allele origin: unknown. Not counted in ClinVar's aggregate classification.

Department of Pathology and Laboratory Medicine, Sinai Health System
Classification: Pathogenic. Review status: no assertion criteria provided. Collection method: clinical testing. Allele origin: unknown. Affected: yes. Study: The Canadian Open Genetics Repository (COGR). Not counted in ClinVar's aggregate classification.
Comment: The BRIP1 p.Glu45* variant was identified in 2 of 10630 proband chromosomes (frequency: 0.0002) from individuals or families with hereditary breast and ovarian cancer and was not identified in 6862 control chromosomes from healthy individuals (LaDuca 2014, Ramus 2015). The variant was also identified in dbSNP (ID: rs587781292) as "Pathogenic", ClinVar (as pathogenic by Ambry Genetics, Invitae, and GeneDx), and Cosmic databases. The variant was not identified in the MutDB and Zhejiang Colon Cancer Database. The variant was identified in control databases in 1 of 30980 chromosomes at a frequency of 0.00003 (Genome Aggregation Database Feb 27, 2017), in the European population in 1 of 15010 chromosomes (freq: 0.00007); but not in in the African, Other, Latino, Ashkenazi Jewish, East Asian, Finnish, o South Asian populations. The p.Glu45* variant leads to a premature stop codon at position 45 which is predicted to lead to a truncated or absent protein and loss of function. Loss of function variants of the BRIP1 gene are an established mechanism of disease in hereditary breast and ovarian cancer and is the type of variant expected to cause the disorder. In summary, based on the above information this variant meets our laboratoryâ€šÃ„Ã´s criteria to be classified as pathogenic.

Literature cited by the submitters: PubMed 16116423 (cited by Labcorp Genetics (formerly Invitae), Labcorp); PubMed 17033622 (cited by Labcorp Genetics (formerly Invitae), Labcorp); PubMed 21964575 (cited by Labcorp Genetics (formerly Invitae), Labcorp); PubMed 24763289 (cited by 3 submitters); PubMed 26315354 (cited by 4 submitters); PubMed 33471991 (cited by Color Diagnostics, LLC DBA Color Health).